The following is an entry in ClinVar:

NM_002473.6(MYH9):c.4925A>G (p.Lys1642Arg)

Gene: MYH9 (myosin heavy chain 9; minus strand). Cytogenetic location: 22q12.3.
Variant type: single nucleotide variant.
Coding change: c.4925A>G on transcript NM_002473.6 (MANE Select); coding-DNA position 4925, A replaced by G.
Protein change: p.Lys1642Arg; replaces lysine 1642 with arginine.
Molecular consequence: missense variant.
Genome position (GRCh38, 1-based): chr22:36,288,259, T>C on the plus strand (A>G on the coding strand, the complement: MYH9 is on the minus strand). VCF-style: chr22-36288259-T-C. GRCh37 (hg19) VCF-style: chr22-36684305-T-C.
Other names: short protein forms K1642R.
Identifiers: ClinVar variation 4883776 (VCV004883776.2).

ClinVar aggregate classification (germline): Uncertain significance (1 of 4 stars; one submission).

Submission:

Dasa
Classification: Uncertain significance. Last evaluated: 2025-07-04. Review status: criteria provided, single submitter. Criteria: DASA Assertion Criteria. Collection method: clinical testing. Allele origin: germline.
Comment: NM_002473.6(MYH9):c.4925A>G (p.Lys1642Arg) is a missense variant that results in the substitution of lysine with arginine. This variant is absent from population databases. The currently available literature and clinical evidence are not sufficient to establish a definitive association between this variant and the reported condition. Therefore, this variant is classified as a variant of uncertain significance.